The following is an entry in ClinVar:

ClinVar aggregate classification (germline): Benign/Likely benign. Review status: criteria provided, multiple submitters, no conflicts (2 of 4 stars). 3 submissions from 3 submitters: Benign (1); Likely benign (2). Last evaluated 2025-08-17.

Conditions:
Multiple endocrine neoplasia, type 2 (MEN2). Identifiers: Orphanet 653, MedGen C4048306, MONDO:0019003. Disease mechanism: gain of function.
Multiple endocrine neoplasia type 2A. Also called: MULTIPLE ENDOCRINE NEOPLASIA, TYPE IIA; PTC SYNDROME; SIPPLE SYNDROME; MEN 2A; MEN-2A syndrome; Pheochromocytoma and amyloid producing medullary thyroid carcinoma. Identifiers: Orphanet 247698, Orphanet 653, MedGen C0025268, MeSH D018813, MONDO:0008234, OMIM 171400.

Allele frequency attached by ClinVar (database versions not stated): gnomAD exomes below 0.00001.
gnomAD v4.1: 1 of 1,609,616 alleles (0.000062%); highest among the groups gnomAD compares: Non-Finnish European, 0.000085%; no homozygotes.

Submissions (3):

Color Diagnostics, LLC DBA Color Health
Classification: Likely benign for Multiple endocrine neoplasia, type 2. Last evaluated: 2025-08-17. Review status: criteria provided, single submitter. Criteria: ACMG Guidelines, 2015. Collection method: clinical testing. Allele origin: germline.

Myriad Genetics, Inc.
Classification: Benign for Multiple endocrine neoplasia type 2A. Last evaluated: 2025-02-26. Review status: criteria provided, single submitter. Criteria: Myriad Autosomal Dominant, Autosomal Recessive and X-Linked Classification Criteria (2023). Collection method: clinical testing. Allele origin: unknown.
Comment: This variant is considered benign. This variant is a silent/synonymous amino acid change and it is not expected to impact splicing.

Labcorp Genetics (formerly Invitae), Labcorp
Classification: Likely benign for Multiple endocrine neoplasia, type 2. Last evaluated: 2023-05-17. Review status: criteria provided, single submitter. Criteria: Invitae Variant Classification Sherloc (09022015). Collection method: clinical testing. Allele origin: germline.

NM_020975.6(RET):c.1923T>C (p.Ala641=)

Gene: RET (ret proto-oncogene; plus strand). Cytogenetic location: 10q11.21.
Variant type: single nucleotide variant.
Coding change: c.1923T>C on transcript NM_020975.6 (MANE Select); coding-DNA position 1923, T replaced by C.
Protein change: p.Ala641=; no amino-acid change (alanine 641 retained).
Molecular consequence: synonymous variant. On other transcripts: intron variant (4).
Genome position (GRCh38, 1-based): chr10:43,114,523, T>C. VCF-style: chr10-43114523-T-C. GRCh37 (hg19) VCF-style: chr10-43609971-T-C.
Other names: c.1923T>C, p.Ala641= (NM_000323.2, NM_001406743.1, NM_001406744.1 and 4 more transcripts); c.1161T>C, p.Ala387= (NM_001355216.2); c.1794T>C, p.Ala598= (NM_001406761.1, NM_001406762.1, NM_001406764.1); c.1635T>C, p.Ala545= (NM_001406766.1, NM_001406767.1, NM_001406770.1); c.1527T>C, p.Ala509= (NM_001406769.1, NM_001406772.1); c.1485T>C, p.Ala495= (NM_001406771.1, NM_001406773.1); c.1398T>C, p.Ala466= (NM_001406774.1); c.1197T>C, p.Ala399= (NM_001406775.1, NM_001406776.1, NM_001406777.1 and 1 more transcripts); and 10 more.
Identifiers: ClinVar variation 3002062 (VCV003002062.5), dbSNP rs2132845948, ClinGen allele CA469479677.